The following is an entry in ClinVar:

NM_001366145.2(TRPM3):c.3020G>C (p.Gly1007Ala)

Gene: TRPM3 (transient receptor potential cation channel subfamily M member 3; minus strand). Cytogenetic location: 9q21.12.
Variant type: single nucleotide variant.
Coding change: c.3020G>C on transcript NM_001366145.2 (MANE Select); coding-DNA position 3020, G replaced by C.
Protein change: p.Gly1007Ala; replaces glycine 1007 with alanine.
Molecular consequence: missense variant.
Genome position (GRCh38, 1-based): chr9:70,598,447, C>G on the plus strand (G>C on the coding strand, the complement: TRPM3 is on the minus strand). VCF-style: chr9-70598447-C-G. GRCh37 (hg19) VCF-style: chr9-73213363-C-G.
Other names: c.2984G>C, p.Gly995Ala (NM_001007471.4, NM_001366151.2); c.2990G>C, p.Gly997Ala (NM_001366141.2, NM_001366143.2, NM_001366149.2); c.3026G>C, p.Gly1009Ala (NM_001366142.2); c.3020G>C, p.Gly1007Ala (NM_001366146.2); c.3095G>C, p.Gly1032Ala (NM_001366147.2, NM_001366152.2); c.3065G>C, p.Gly1022Ala (NM_001366148.2); c.2570G>C, p.Gly857Ala (NM_206947.5); c.2954G>C, p.Gly985Ala (NM_001366150.2); and 5 more; short protein forms G1009A, G1022A, G832A, G842A, G857A, G867A, G995A, G997A.
Identifiers: ClinVar variation 3974248 (VCV003974248.2).

ClinVar aggregate classification (germline): Uncertain significance (1 of 4 stars; one submission).

Conditions:
Inborn genetic diseases. Identifiers: MedGen C0950123, MeSH D030342.

Submission:

Ambry Genetics
Classification: Uncertain significance for Inborn genetic diseases. Last evaluated: 2025-09-22. Review status: criteria provided, single submitter. Criteria: Ambry Variant Classification Scheme 2023. Collection method: clinical testing. Allele origin: germline.
Comment: The c.2984G>C (p.G995A) alteration is located in exon 20 (coding exon 20) of the TRPM3 gene. This alteration results from a G to C substitution at nucleotide position 2984, causing the glycine (G) at amino acid position 995 to be replaced by an alanine (A). This variant was not reported in population-based cohorts in the Genome Aggregation Database (gnomAD). This amino acid position is highly conserved in available vertebrate species. This alteration is predicted to be deleterious by in silico analysis. Based on insufficient or conflicting evidence, the clinical significance of this alteration remains unclear.